The following is an entry in ClinVar:

ClinVar aggregate classification (germline): Conflicting classifications of pathogenicity. Review status: criteria provided, conflicting classifications (1 of 4 stars). 2 submissions from 2 submitters: Likely pathogenic (1); Uncertain significance (1). Last evaluated 2025-01-29.

Conditions:
Split hand-foot malformation 6. Also called: ECTRODACTYLY, AUTOSOMAL RECESSIVE. Identifiers: Orphanet 2440, MedGen C2749665, MONDO:0009157, OMIM 225300.
Tooth agenesis, selective, 8 (STHAG8). Identifiers: Orphanet 99798, MedGen C4310730, MONDO:0014901, OMIM 617073.

Submissions (2):

GeneDx
Classification: Uncertain significance. Last evaluated: 2025-01-29. Review status: criteria provided, single submitter. Criteria: GeneDx Variant Classification Process June 2021. Collection method: clinical testing. Allele origin: germline. Affected: yes.
Comment: Observed with a second WNT10B variant in trans in a patient with split-hand/foot malformation in published literature (PMID: 31332306); Observed as a single heterozygous variant in patients with split-hand/foot malformation in published literature; the variant was inherited from a parent in these cases, and detailed clinical information was not provided on the parents (PMID: 31332306); Frameshift variant predicted to result in abnormal protein length as the last 215 amino acids are replaced with 64 different amino acids, and other similar variants have been reported in HGMD; This variant is associated with the following publications: (PMID: 31332306)

Juno Genomics, Hangzhou Juno Genomics, Inc
Classification: Likely pathogenic for Split hand-foot malformation 6; Tooth agenesis, selective, 8. Review status: criteria provided, single submitter. Criteria: ACMG Guidelines, 2015. Collection method: clinical testing. Allele origin: germline.
Comment: Absent from controls (or at extremely low frequency if recessive) in Genome Aggregation Database.;Null variant in a gene where loss of function (LOF) is a known mechanism of disease.

NM_003394.4(WNT10B):c.523del (p.His175fs)

Gene: WNT10B (Wnt family member 10B; minus strand). Cytogenetic location: 12q13.12.
Variant type: Deletion.
Coding change: c.523del on transcript NM_003394.4 (MANE Select); coding-DNA position 523, one base deleted (C; older notation c.523delC).
Protein change: p.His175fs; shifts the reading frame from histidine 175.
Molecular consequence: frameshift variant.
Genome position (GRCh38, 1-based): chr12:48,968,134, G deleted on the plus strand (C on the coding strand, the reverse complement: WNT10B is on the minus strand); the first of 5 consecutive G bases (chr12:48,968,134-48,968,138); deleting any one gives the same sequence. VCF-style (leftmost placement, unchanged base first): chr12-48968133-TG-T. GRCh37 (hg19) VCF-style: chr12-49361916-TG-T.
Other names: c.523del (NM_003394.3); short protein forms H175fs.
Identifiers: ClinVar variation 3382089 (VCV003382089.5).
Genomic context (GRCh38, chr12:48,968,133, plus strand): 5'-TCCCATGTGTCCTGGGGGCCAGGGCTGGGGCTTGAGCCAGGGCCAGGGCTGGGCAGAGAG[TG>T]GGGGAAACTCTTGCCTCGGGACAGTGCCTGCAGCTGCAGCAGTTTGGCCCTCAGCCGATC-3'